The following is an entry in ClinVar:

NM_024529.5(CDC73):c.352C>T (p.Leu118Phe)

Gene: CDC73 (cell division cycle 73; plus strand). Cytogenetic location: 1q31.2.
Variant type: single nucleotide variant.
Coding change: c.352C>T on transcript NM_024529.5 (MANE Select); coding-DNA position 352, C replaced by T.
Protein change: p.Leu118Phe; replaces leucine 118 with phenylalanine.
Molecular consequence: missense variant.
Genome position (GRCh38, 1-based): chr1:193,135,435, C>T. VCF-style: chr1-193135435-C-T. GRCh37 (hg19) VCF-style: chr1-193104565-C-T.
Other names: short protein forms L118F.
Identifiers: ClinVar variation 4827917 (VCV004827917.1).

ClinVar aggregate classification (germline): Uncertain significance (1 of 4 stars; one submission).

Conditions:
Hereditary cancer-predisposing syndrome. Also called: Neoplastic Syndromes, Hereditary; Tumor predisposition; Hereditary Cancer Syndrome; Hereditary neoplastic syndrome. Identifiers: Orphanet 140162, MedGen C0027672, MeSH D009386, MONDO:0015356.

Submission:

Ambry Genetics
Classification: Uncertain significance for Hereditary cancer-predisposing syndrome. Last evaluated: 2026-02-09. Review status: criteria provided, single submitter. Criteria: Ambry Variant Classification Scheme 2023. Collection method: clinical testing. Allele origin: germline.
Comment: The p.L118F variant (also known as c.352C>T), located in coding exon 4 of the CDC73 gene, results from a C to T substitution at nucleotide position 352. The leucine at codon 118 is replaced by phenylalanine, an amino acid with highly similar properties. This amino acid position is highly conserved in available vertebrate species. In addition, the in silico prediction for this alteration is inconclusive. Based on the available evidence, the clinical significance of this variant remains unclear.